The following is an entry in ClinVar:

NM_018180.3(DHX32):c.1936G>A (p.Val646Ile)

Genes: BCCIP (BRCA2 and CDKN1A interacting protein; plus strand), DHX32 (DEAH-box helicase 32 (putative); minus strand). Cytogenetic location: 10q26.2.
Variant type: single nucleotide variant.
Coding change: c.1936G>A on transcript NM_018180.3 (MANE Select); coding-DNA position 1936, G replaced by A.
Protein change: p.Val646Ile; replaces valine 646 with isoleucine.
Molecular consequence: missense variant. On other transcripts: intron variant (2).
Genome position (GRCh38, 1-based): chr10:125,838,333, C>T on the plus strand (G>A on the coding strand, the complement: DHX32 is on the minus strand). VCF-style: chr10-125838333-C-T. GRCh37 (hg19) VCF-style: chr10-127526902-C-T.
Other names: c.775-2922C>T (NM_016567.4, NM_078469.3); short protein forms V646I.
Identifiers: ClinVar variation 1924219 (VCV001924219.5), dbSNP rs750725127, ClinGen allele CA5739002.

ClinVar aggregate classification (germline): Uncertain significance. Review status: criteria provided, multiple submitters, no conflicts (2 of 4 stars). 2 submissions from 2 submitters: Uncertain significance (2). Last evaluated 2024-04-08.

Allele frequency attached by ClinVar (database versions not stated): gnomAD 0.00001; ExAC 0.00006.
gnomAD v4.1: 36 of 1,613,482 alleles (0.0022%); highest among the groups gnomAD compares: South Asian, 0.038%; no homozygotes.

Submissions (2):

Ambry Genetics
Classification: Uncertain significance. Last evaluated: 2024-04-08. Review status: criteria provided, single submitter. Criteria: Ambry Variant Classification Scheme 2023. Collection method: clinical testing. Allele origin: germline.

Labcorp Genetics (formerly Invitae), Labcorp
Classification: Uncertain significance. Last evaluated: 2021-12-15. Review status: criteria provided, single submitter. Criteria: Invitae Variant Classification Sherloc (09022015). Collection method: clinical testing. Allele origin: germline.
Comment: This variant is present in population databases (rs750725127, gnomAD 0.04%). This sequence change replaces valine, which is neutral and non-polar, with isoleucine, which is neutral and non-polar, at codon 646 of the DHX32 protein (p.Val646Ile). This variant has not been reported in the literature in individuals affected with DHX32-related conditions. In summary, the available evidence is currently insufficient to determine the role of this variant in disease. Therefore, it has been classified as a Variant of Uncertain Significance. Algorithms developed to predict the effect of missense changes on protein structure and function (SIFT, PolyPhen-2, Align-GVGD) all suggest that this variant is likely to be disruptive.